The following is an entry in ClinVar:

ClinVar aggregate classification (germline): Uncertain significance (1 of 4 stars; one submission).

Conditions:
Inborn genetic diseases. Identifiers: MedGen C0950123, MeSH D030342.

Submission:

Ambry Genetics
Classification: Uncertain significance for Inborn genetic diseases. Last evaluated: 2026-03-29. Review status: criteria provided, single submitter. Criteria: Ambry Variant Classification Scheme 2023. Collection method: clinical testing. Allele origin: germline.
Comment: The p.R562P variant (also known as c.1685G>C), located in coding exon 10 of the RECQL4 gene, results from a G to C substitution at nucleotide position 1685. The arginine at codon 562 is replaced by proline, an amino acid with dissimilar properties. This amino acid position is conserved. In addition, the in silico prediction for this alteration is inconclusive. Based on the available evidence, the clinical significance of this variant remains unclear.

NM_004260.4(RECQL4):c.1685G>C (p.Arg562Pro)

Gene: RECQL4 (RecQ like helicase 4; minus strand). Cytogenetic location: 8q24.3.
Variant type: single nucleotide variant.
Coding change: c.1685G>C on transcript NM_004260.4 (MANE Select); coding-DNA position 1685, G replaced by C.
Protein change: p.Arg562Pro; replaces arginine 562 with proline.
Molecular consequence: missense variant. On other transcripts: non-coding transcript variant (3).
Genome position (GRCh38, 1-based): chr8:144,514,461, C>G on the plus strand (G>C on the coding strand, the complement: RECQL4 is on the minus strand). VCF-style: chr8-144514461-C-G. GRCh37 (hg19) VCF-style: chr8-145739845-C-G.
Other names: c.1685G>C, p.Arg562Pro (NM_001413018.1, NM_001413019.1, NM_001413033.1 and 1 more transcripts); c.1589G>C, p.Arg530Pro (NM_001413020.1, NM_001413017.1); c.614G>C, p.Arg205Pro (NM_001413021.1, NM_001413022.1, NM_001413023.1 and 7 more transcripts); c.1556G>C, p.Arg519Pro (NM_001413025.1); c.548G>C, p.Arg183Pro (NM_001413027.1, NM_001413041.1, NM_001413030.1 and 2 more transcripts); c.1655G>C, p.Arg552Pro (NM_001413039.1); c.584G>C, p.Arg195Pro (NM_001413042.1); c.218G>C, p.Arg73Pro (NM_001413043.1); and 1 more; short protein forms R183P, R195P, R205P, R445P, R519P, R530P, R552P, R562P.
Identifiers: ClinVar variation 4863152 (VCV004863152.1).